The following is an entry in ClinVar:

NM_006445.4(PRPF8):c.3562A>G (p.Asn1188Asp)

Gene: PRPF8 (pre-mRNA processing factor 8; minus strand). Cytogenetic location: 17p13.3.
Variant type: single nucleotide variant.
Coding change: c.3562A>G on transcript NM_006445.4 (MANE Select); coding-DNA position 3562, A replaced by G.
Protein change: p.Asn1188Asp; replaces asparagine 1188 with aspartic acid.
Molecular consequence: missense variant.
Genome position (GRCh38, 1-based): chr17:1,673,452, T>C on the plus strand (A>G on the coding strand, the complement: PRPF8 is on the minus strand). VCF-style: chr17-1673452-T-C. GRCh37 (hg19) VCF-style: chr17-1576746-T-C.
Other names: short protein forms N1188D.
Identifiers: ClinVar variation 1038916 (VCV001038916.5), dbSNP rs1196221841, ClinGen allele CA397539440.

ClinVar aggregate classification (germline): Uncertain significance (1 of 4 stars; one submission).

Allele frequency attached by ClinVar (database versions not stated): gnomAD exomes below 0.00001; gnomAD 0.00001.

Submission:

Labcorp Genetics (formerly Invitae), Labcorp
Classification: Uncertain significance. Last evaluated: 2024-10-15. Review status: criteria provided, single submitter. Criteria: Invitae Variant Classification Sherloc (09022015). Collection method: clinical testing. Allele origin: germline.
Comment: This sequence change replaces asparagine, which is neutral and polar, with aspartic acid, which is acidic and polar, at codon 1188 of the PRPF8 protein (p.Asn1188Asp). This variant is present in population databases (no rsID available, gnomAD 0.007%). This variant has not been reported in the literature in individuals affected with PRPF8-related conditions. ClinVar contains an entry for this variant (Variation ID: 1038916). Invitae Evidence Modeling of protein sequence and biophysical properties (such as structural, functional, and spatial information, amino acid conservation, physicochemical variation, residue mobility, and thermodynamic stability) indicates that this missense variant is not expected to disrupt PRPF8 protein function with a negative predictive value of 80%. In summary, the available evidence is currently insufficient to determine the role of this variant in disease. Therefore, it has been classified as a Variant of Uncertain Significance.